The following is an entry in ClinVar:

NM_203447.4(DOCK8):c.3988C>G (p.Leu1330Val)

Gene: DOCK8 (dedicator of cytokinesis 8; plus strand). Cytogenetic location: 9p24.3.
Variant type: single nucleotide variant.
Coding change: c.3988C>G on transcript NM_203447.4 (MANE Select); coding-DNA position 3988, C replaced by G.
Protein change: p.Leu1330Val; replaces leucine 1330 with valine.
Molecular consequence: missense variant.
Genome position (GRCh38, 1-based): chr9:420,548, C>G. VCF-style: chr9-420548-C-G. GRCh37 (hg19) VCF-style: chr9-420548-C-G.
Other names: p.Leu1330Val; c.3688C>G, p.Leu1230Val (NM_001190458.2); c.3784C>G, p.Leu1262Val (NM_001193536.2); short protein forms L1330V, L1262V, L1230V.
Identifiers: ClinVar variation 377799 (VCV000377799.23), dbSNP rs148081681, ClinGen allele CA4958884.

ClinVar aggregate classification (germline): Conflicting classifications of pathogenicity. Review status: criteria provided, conflicting classifications (1 of 4 stars). 9 submissions from 9 submitters: Uncertain significance (4); Benign (1); Likely benign (2). 2 of the submissions do not count toward it. Last evaluated 2026-03-27.

Conditions:
DOCK8-related disorder. Also called: DOCK8-related condition.
Inborn genetic diseases. Identifiers: MedGen C0950123, MeSH D030342.
Combined immunodeficiency due to DOCK8 deficiency (HIES2). Also called: HIES autosomal recessive; HYPER-IgE RECURRENT INFECTION SYNDROME 2, AUTOSOMAL RECESSIVE; DOCK8 Deficiency; Hyper-IgE recurrent infection syndrome, autosomal recessive; HYPER-IgE SYNDROME 2, AUTOSOMAL RECESSIVE, WITH RECURRENT INFECTIONS. Identifiers: Orphanet 217390, MedGen C4722305, MONDO:0009478, OMIM 243700.
Intellectual disability. Also called: intellectual disabilities; Intellectual functioning disability; Intellectual developmental disorder. Identifiers: MedGen C3714756, MeSH D008607, MONDO:0001071, HP:0001249.

Allele frequency attached by ClinVar (database versions not stated): gnomAD exomes 0.00019 and 0.00029; ExAC 0.00030; 1000 Genomes Project 0.00040; 1000 Genomes Project 30x 0.00047; gnomAD 0.00076; ESP Exome Variant Server 0.00077; TOPMed 0.00097.
gnomAD v4.1: 423 of 1,614,172 alleles (0.026%); highest among the groups gnomAD compares: African/African-American, 0.29%; no homozygotes.

Submissions (9):

Ambry Genetics
Classification: Uncertain significance for Inborn genetic diseases. Last evaluated: 2026-03-27. Review status: criteria provided, single submitter. Criteria: Ambry Variant Classification Scheme 2023. Collection method: clinical testing. Allele origin: germline.
Comment: The c.3988C>G (p.L1330V) alteration is located in exon 31 (coding exon 31) of the DOCK8 gene. This alteration results from a C to G substitution at nucleotide position 3988, causing the leucine (L) at amino acid position 1330 to be replaced by a valine (V). Based on data from gnomAD, the G allele has an overall frequency of 0.035% (98/282854) total alleles studied. The highest observed frequency was 0.268% (67/24966) of African alleles. Based on insufficient or conflicting evidence, the clinical significance of this alteration remains unclear.

Women's Health and Genetics/Laboratory Corporation of America, LabCorp
Classification: Likely benign. Last evaluated: 2026-02-10. Review status: criteria provided, single submitter. Criteria: LabCorp Variant Classification Summary - May 2015. Collection method: clinical testing. Allele origin: germline.
Comment: Variant summary: DOCK8 c.3988C>G (p.Leu1330Val) results in a conservative amino acid change in the encoded protein sequence. Algorithms developed to predict the effect of missense changes on protein structure and function are either unavailable or do not agree on the potential impact of this missense change. The variant allele was found at a frequency of 0.00029 in 251458 control chromosomes, predominantly at a frequency of 0.0028 within the African or African-American subpopulation in the gnomAD database. The observed variant frequency within African or African-American control individuals in the gnomAD database exceeds the estimated maximal expected allele frequency for disease-causing variants in DOCK8. To our knowledge, no occurrence of c.3988C>G in individuals affected with DOCK8-related conditions and no experimental evidence demonstrating its impact on protein function have been reported. ClinVar contains an entry for this variant (Variation ID: 377799). Based on the evidence outlined above, the variant was classified as likely benign.

Labcorp Genetics (formerly Invitae), Labcorp
Classification: Benign for Combined immunodeficiency due to DOCK8 deficiency. Last evaluated: 2026-01-16. Review status: criteria provided, single submitter. Criteria: Invitae Variant Classification Sherloc (09022015). Collection method: clinical testing. Allele origin: germline.

GeneDx
Classification: Uncertain significance. Last evaluated: 2025-08-08. Review status: criteria provided, single submitter. Criteria: GeneDx Variant Classification Process June 2021. Collection method: clinical testing. Allele origin: germline. Affected: yes.
Comment: In silico analysis supports that this missense variant does not alter protein structure/function; Has not been previously published as pathogenic or benign in the peer reviewed literature, to our knowledge; This variant is associated with the following publications: (PMID: Rosenthal2018[abstract])

Mayo Clinic Laboratories, Mayo Clinic
Classification: Likely benign. Last evaluated: 2025-04-05. Review status: criteria provided, single submitter. Criteria: ACMG Guidelines, 2015. Collection method: clinical testing. Allele origin: germline. Observed: 2 variant alleles.
Comment: BS1, BP4

Blueprint Genetics
Classification: Uncertain significance. Last evaluated: 2024-09-24. Review status: criteria provided, single submitter. Criteria: ACMG Guidelines, 2015. Collection method: clinical testing. Allele origin: germline.

Baylor Genetics
Classification: Uncertain significance for Combined immunodeficiency due to DOCK8 deficiency. Last evaluated: 2018-03-23. Review status: criteria provided, single submitter. Criteria: ACMG Guidelines, 2015. Collection method: clinical testing. Allele origin: paternal. Affected: yes.
Comment: This variant was determined to be of uncertain significance according to ACMG Guidelines, 2015 [PMID:25741868].

PreventionGenetics, part of Exact Sciences
Classification: Likely benign for DOCK8-related condition. Last evaluated: 2024-02-10. Review status: no assertion criteria provided. Collection method: clinical testing. Allele origin: germline. Not counted in ClinVar's aggregate classification.
Comment: This variant is classified as likely benign based on ACMG/AMP sequence variant interpretation guidelines (Richards et al. 2015 PMID: 25741868, with internal and published modifications).

Centre de Biologie Pathologie Génétique, Centre Hospitalier Universitaire de Lille
Classification: Uncertain significance for Intellectual disability. Last evaluated: 2019-01-01. Review status: no assertion criteria provided. Collection method: clinical testing. Allele origin: unknown. Affected: yes. Not counted in ClinVar's aggregate classification.